The following is an entry in ClinVar:

ClinVar aggregate classification (germline): Benign. Review status: criteria provided, multiple submitters, no conflicts (2 of 4 stars). 11 submissions from 11 submitters: Benign (8). 3 of the submissions do not count toward it. Last evaluated 2026-02-04.

Conditions:
Donnai-Barrow syndrome. Also called: FACIOOCULOACOUSTICORENAL SYNDROME; DBS/FOAR SYNDROME. Identifiers: Orphanet 2143, MedGen C1857277, MONDO:0009104, OMIM 222448.

Allele frequency attached by ClinVar (database versions not stated): gnomAD exomes 0.48039 and 0.53788; ESP Exome Variant Server 0.53575; gnomAD 0.53755 and 0.54278; ExAC 0.53848; TOPMed 0.56032; 1000 Genomes Project 0.61861; 1000 Genomes Project 30x 0.62258.
gnomAD v4.1: 785,847 of 1,613,722 alleles (49%); highest among the groups gnomAD compares: South Asian, 74%; 198,654 homozygotes.

Submissions (11):

Labcorp Genetics (formerly Invitae), Labcorp
Classification: Benign. Last evaluated: 2026-02-04. Review status: criteria provided, single submitter. Criteria: Invitae Variant Classification Sherloc (09022015). Collection method: clinical testing. Allele origin: germline.

Blueprint Genetics
Classification: Benign. Last evaluated: 2024-11-26. Review status: criteria provided, single submitter. Criteria: ACMG Guidelines, 2015. Collection method: clinical testing. Allele origin: germline.

Mayo Clinic Laboratories, Mayo Clinic
Classification: Benign. Last evaluated: 2022-11-10. Review status: criteria provided, single submitter. Criteria: ACMG Guidelines, 2015. Collection method: clinical testing. Allele origin: germline. Observed: 97 variant alleles.

Genome-Nilou Lab
Classification: Benign for Donnai-Barrow syndrome. Last evaluated: 2021-08-19. Review status: criteria provided, single submitter. Criteria: ACMG Guidelines, 2015. Collection method: clinical testing. Allele origin: germline. Affected: no.

Illumina Laboratory Services, Illumina
Classification: Benign for Donnai-Barrow syndrome. Last evaluated: 2018-01-13. Review status: criteria provided, single submitter. Criteria: ICSL Variant Classification Criteria 13 December 2019. Collection method: clinical testing. Allele origin: germline.
Comment: This variant was observed in the ICSL laboratory as part of a predisposition screen in an ostensibly healthy population. It had not been previously curated by ICSL or reported in the Human Gene Mutation Database (HGMD: prior to June 1st, 2018), and was therefore a candidate for classification through an automated scoring system. Utilizing variant allele frequency, disease prevalence and penetrance estimates, and inheritance mode, an automated score was calculated to assess if this variant is too frequent to cause the disease. Based on the score and internal cut-off values, a variant classified as benign is not then subjected to further curation. The score for this variant resulted in a classification of benign for this disease.

GeneDx
Classification: Benign. Last evaluated: 2015-03-03. Review status: criteria provided, single submitter. Criteria: GeneDx Variant Classification Process June 2021. Collection method: clinical testing. Allele origin: germline. Affected: yes.

Breakthrough Genomics
Classification: Benign. Review status: criteria provided, single submitter. Criteria: ACMG Guidelines, 2015. Collection method: not provided. Allele origin: germline. Inheritance: Autosomal recessive inheritance. Affected: yes.

PreventionGenetics, part of Exact Sciences
Classification: Benign. Review status: criteria provided, single submitter. Criteria: ACMG Guidelines, 2015. Collection method: clinical testing. Allele origin: germline.

Diagnostic Laboratory, Department of Genetics, University Medical Center Groningen
Classification: Benign. Review status: no assertion criteria provided. Collection method: clinical testing. Allele origin: germline. Affected: yes. Study: VKGL Data-share Consensus. Not counted in ClinVar's aggregate classification.

Genetic Services Laboratory, University of Chicago
Classification: Likely benign for AllHighlyPenetrant. Review status: no assertion criteria provided. Collection method: clinical testing. Allele origin: germline. Inheritance: Autosomal recessive inheritance. Not counted in ClinVar's aggregate classification.
Comment: Likely benign based on allele frequency in 1000 Genomes Project or ESP global frequency and its presence in a patient with a rare or unrelated disease phenotype. NOT Sanger confirmed.

Joint Genome Diagnostic Labs from Nijmegen and Maastricht, Radboudumc and MUMC+
Classification: Benign. Review status: no assertion criteria provided. Collection method: clinical testing. Allele origin: germline. Affected: yes. Study: VKGL Data-share Consensus. Not counted in ClinVar's aggregate classification.

NM_004525.3(LRP2):c.3069A>G (p.Thr1023=)

Gene: LRP2 (LDL receptor related protein 2; minus strand). Cytogenetic location: 2q31.1.
Variant type: single nucleotide variant.
Coding change: c.3069A>G on transcript NM_004525.3 (MANE Select); coding-DNA position 3069, A replaced by G.
Protein change: p.Thr1023=; no amino-acid change (threonine 1023 retained).
Molecular consequence: synonymous variant.
Genome position (GRCh38, 1-based): chr2:169,246,826, T>C on the plus strand (A>G on the coding strand, the complement: LRP2 is on the minus strand). VCF-style: chr2-169246826-T-C. GRCh37 (hg19) VCF-style: chr2-170103336-T-C.
Other names: p.Thr1023=.
Identifiers: ClinVar variation 129516 (VCV000129516.30), dbSNP rs831043, ClinGen allele CA153574.